The following is an entry in ClinVar:

ClinVar aggregate classification (germline): Uncertain significance (1 of 4 stars; one submission).

gnomAD v4.1: 4 of 1,613,670 alleles (0.00025%); highest among the groups gnomAD compares: Non-Finnish European, 0.00025%; no homozygotes.

Submission:

Labcorp Genetics (formerly Invitae), Labcorp
Classification: Uncertain significance. Last evaluated: 2024-07-22. Review status: criteria provided, single submitter. Criteria: Invitae Variant Classification Sherloc (09022015). Collection method: clinical testing. Allele origin: germline.
Comment: This sequence change replaces threonine, which is neutral and polar, with alanine, which is neutral and non-polar, at codon 1370 of the SAMD9 protein (p.Thr1370Ala). This variant is present in population databases (rs774962440, gnomAD 0.0009%). This variant has not been reported in the literature in individuals affected with SAMD9-related conditions. Advanced modeling of protein sequence and biophysical properties (such as structural, functional, and spatial information, amino acid conservation, physicochemical variation, residue mobility, and thermodynamic stability) performed at Invitae indicates that this missense variant is not expected to disrupt SAMD9 protein function with a negative predictive value of 95%. In summary, the available evidence is currently insufficient to determine the role of this variant in disease. Therefore, it has been classified as a Variant of Uncertain Significance.

NM_017654.4(SAMD9):c.4108A>G (p.Thr1370Ala)

Gene: SAMD9 (sterile alpha motif domain containing 9; minus strand). Cytogenetic location: 7q21.2.
Variant type: single nucleotide variant.
Coding change: c.4108A>G on transcript NM_017654.4 (MANE Select); coding-DNA position 4108, A replaced by G.
Protein change: p.Thr1370Ala; replaces threonine 1370 with alanine.
Molecular consequence: missense variant.
Genome position (GRCh38, 1-based): chr7:93,101,990, T>C on the plus strand (A>G on the coding strand, the complement: SAMD9 is on the minus strand). VCF-style: chr7-93101990-T-C. GRCh37 (hg19) VCF-style: chr7-92731303-T-C.
Other names: c.4108A>G, p.Thr1370Ala (NM_001193307.2); short protein forms T1370A.
Identifiers: ClinVar variation 3696397 (VCV003696397.2).